The following is an entry in ClinVar:

ClinVar aggregate classification (germline): Uncertain significance. Review status: criteria provided, multiple submitters, no conflicts (2 of 4 stars). 4 submissions from 4 submitters: Uncertain significance (4). Last evaluated 2024-10-10.

Conditions:
Hereditary spastic paraplegia 28. Also called: Spastic paraplegia 28, autosomal recessive. Identifiers: Orphanet 101008, MedGen C1836295, MONDO:0012256, OMIM 609340.
Inborn genetic diseases. Identifiers: MedGen C0950123, MeSH D030342.

Allele frequency attached by ClinVar (database versions not stated): gnomAD 0.00022; ESP Exome Variant Server 0.00054; TOPMed 0.00030.
gnomAD v4.1: 950 of 1,612,566 alleles (0.059%); highest among the groups gnomAD compares: Non-Finnish European, 0.078%; 2 homozygotes.

Submissions (4):

Blueprint Genetics
Classification: Uncertain significance. Last evaluated: 2024-10-10. Review status: criteria provided, single submitter. Criteria: ACMG Guidelines, 2015. Collection method: clinical testing. Allele origin: germline.

Ambry Genetics
Classification: Uncertain significance for Inborn genetic diseases. Last evaluated: 2024-08-27. Review status: criteria provided, single submitter. Criteria: Ambry Variant Classification Scheme 2023. Collection method: clinical testing. Allele origin: germline.

Labcorp Genetics (formerly Invitae), Labcorp
Classification: Uncertain significance for Hereditary spastic paraplegia 28. Last evaluated: 2022-10-24. Review status: criteria provided, single submitter. Criteria: Invitae Variant Classification Sherloc (09022015). Collection method: clinical testing. Allele origin: germline.
Comment: This sequence change replaces aspartic acid, which is acidic and polar, with histidine, which is basic and polar, at codon 326 of the DDHD1 protein (p.Asp326His). This variant is present in population databases (rs145456012, gnomAD 0.05%). This variant has not been reported in the literature in individuals affected with DDHD1-related conditions. ClinVar contains an entry for this variant (Variation ID: 576186). Advanced modeling of protein sequence and biophysical properties (such as structural, functional, and spatial information, amino acid conservation, physicochemical variation, residue mobility, and thermodynamic stability) has been performed at Invitae for this missense variant, however the output from this modeling did not meet the statistical confidence thresholds required to predict the impact of this variant on DDHD1 protein function. In summary, the available evidence is currently insufficient to determine the role of this variant in disease. Therefore, it has been classified as a Variant of Uncertain Significance.

Mayo Clinic Laboratories, Mayo Clinic
Classification: Uncertain significance. Last evaluated: 2022-01-12. Review status: criteria provided, single submitter. Criteria: ACMG Guidelines, 2015. Collection method: clinical testing. Allele origin: germline.

NM_001160148.2(DDHD1):c.976G>C (p.Asp326His)

Gene: DDHD1 (DDHD domain containing 1; minus strand). Cytogenetic location: 14q22.1.
Variant type: single nucleotide variant.
Coding change: c.976G>C on transcript NM_001160148.2 (MANE Select); coding-DNA position 976, G replaced by C.
Protein change: p.Asp326His; replaces aspartic acid 326 with histidine.
Molecular consequence: missense variant.
Genome position (GRCh38, 1-based): chr14:53,103,719, C>G on the plus strand (G>C on the coding strand, the complement: DDHD1 is on the minus strand). VCF-style: chr14-53103719-C-G. GRCh37 (hg19) VCF-style: chr14-53570437-C-G.
Other names: p.Asp326His; c.976G>C (NM_001160148.1); c.976G>C, p.Asp326His (NM_001160147.2, NM_030637.3); short protein forms D326H.
Identifiers: ClinVar variation 576186 (VCV000576186.17), dbSNP rs145456012, ClinGen allele CA7191369.